The following is an entry in ClinVar:

NM_017654.4(SAMD9):c.1520C>A (p.Pro507His)

Gene: SAMD9 (sterile alpha motif domain containing 9; minus strand). Cytogenetic location: 7q21.2.
Variant type: single nucleotide variant.
Coding change: c.1520C>A on transcript NM_017654.4 (MANE Select); coding-DNA position 1520, C replaced by A.
Protein change: p.Pro507His; replaces proline 507 with histidine.
Molecular consequence: missense variant.
Genome position (GRCh38, 1-based): chr7:93,104,578, G>T on the plus strand (C>A on the coding strand, the complement: SAMD9 is on the minus strand). VCF-style: chr7-93104578-G-T. GRCh37 (hg19) VCF-style: chr7-92733891-G-T.
Other names: c.1520C>A, p.Pro507His (NM_001193307.2); short protein forms P507H.
Identifiers: ClinVar variation 3391642 (VCV003391642.4).

ClinVar aggregate classification (germline): Uncertain significance. Review status: criteria provided, multiple submitters, no conflicts (2 of 4 stars). 3 submissions from 3 submitters: Uncertain significance (3). Last evaluated 2025-03-08.

Conditions:
Inborn genetic diseases. Identifiers: MedGen C0950123, MeSH D030342.

Submissions (3):

Ambry Genetics
Classification: Uncertain significance for Inborn genetic diseases. Last evaluated: 2025-03-08. Review status: criteria provided, single submitter. Criteria: Ambry Variant Classification Scheme 2023. Collection method: clinical testing. Allele origin: germline.
Comment: The p.P507H variant (also known as c.1520C>A), located in coding exon 1 of the SAMD9 gene, results from a C to A substitution at nucleotide position 1520. The proline at codon 507 is replaced by histidine, an amino acid with similar properties. This amino acid position is conserved. In addition, this alteration is predicted to be tolerated by in silico analysis. Based on the available evidence, the clinical significance of this variant remains unclear.

GeneDx
Classification: Uncertain significance. Last evaluated: 2024-06-17. Review status: criteria provided, single submitter. Criteria: GeneDx Variant Classification Process June 2021. Collection method: clinical testing. Allele origin: germline. Affected: yes.
Comment: Not observed at significant frequency in large population cohorts (gnomAD); In silico analysis supports that this missense variant has a deleterious effect on protein structure/function; Has not been previously published as pathogenic or benign to our knowledge; This variant is associated with the following publications: (PMID: 28545555)

Labcorp Genetics (formerly Invitae), Labcorp
Classification: Uncertain significance. Last evaluated: 2024-04-27. Review status: criteria provided, single submitter. Criteria: Invitae Variant Classification Sherloc (09022015). Collection method: clinical testing. Allele origin: germline.
Comment: This sequence change replaces proline, which is neutral and non-polar, with histidine, which is basic and polar, at codon 507 of the SAMD9 protein (p.Pro507His). This variant is not present in population databases (gnomAD no frequency). This variant has not been reported in the literature in individuals affected with SAMD9-related conditions. Advanced modeling of protein sequence and biophysical properties (such as structural, functional, and spatial information, amino acid conservation, physicochemical variation, residue mobility, and thermodynamic stability) has been performed at Invitae for this missense variant, however the output from this modeling did not meet the statistical confidence thresholds required to predict the impact of this variant on SAMD9 protein function. In summary, the available evidence is currently insufficient to determine the role of this variant in disease. Therefore, it has been classified as a Variant of Uncertain Significance.